The following is an entry in ClinVar:

ClinVar aggregate classification (germline): Uncertain significance (1 of 4 stars; one submission).

Submission:

Women's Health and Genetics/Laboratory Corporation of America, LabCorp
Classification: Uncertain significance. Last evaluated: 2023-11-09. Review status: criteria provided, single submitter. Criteria: LabCorp Variant Classification Summary - May 2015. Collection method: clinical testing. Allele origin: germline.
Comment: Variant summary: SPTLC1 c.1082-7delinsAT alters a non-conserved nucleotide located close to a canonical splice site and therefore could affect mRNA splicing, leading to a significantly altered protein sequence. Consensus agreement among computation tools predict no significant impact on normal splicing. However, these predictions have yet to be confirmed by functional studies. The variant was absent in 279762 control chromosomes. The available data on variant occurrences in the general population are insufficient to allow any conclusion about variant significance. To our knowledge, no occurrence of c.1082-7delinsAT in individuals affected with Neuropathy, Hereditary Sensory And Autonomic, Type 1A and no experimental evidence demonstrating its impact on protein function have been reported. No submitters have cited clinical-significance assessments for this variant to ClinVar after 2014. Based on the evidence outlined above, the variant was classified as uncertain significance.

NM_006415.4(SPTLC1):c.1082-7delinsAT

Gene: SPTLC1 (serine palmitoyltransferase long chain base subunit 1; minus strand). Cytogenetic location: 9q22.31.
Variant type: Indel.
Coding change: c.1082-7delinsAT on transcript NM_006415.4 (MANE Select); 7 bases into the intron before coding-DNA position 1082, C replaced by AT.
Molecular consequence: intron variant.
Genome position (GRCh38, 1-based): chr9:92,046,060, G replaced by AT on the plus strand (C replaced by AT on the coding strand, the reverse complement: SPTLC1 is on the minus strand). VCF-style: chr9-92046060-G-AT. GRCh37 (hg19) VCF-style: chr9-94808342-G-AT.
Other names: c.1082-7delinsAT (NM_001281303.2); c.716-7delinsAT (NM_001368272.1); c.617-7delinsAT (NM_001368273.1).
Identifiers: ClinVar variation 2682427 (VCV002682427.1), dbSNP rs2538395074, ClinGen allele CA2697557842.